The following is an entry in ClinVar:

ClinVar aggregate classification (germline): Benign (0 of 4 stars; one submission).

Conditions:
ABCG1-related disorder. Also called: ABCG1-related condition.

Allele frequency attached by ClinVar (database versions not stated): ESP Exome Variant Server 0.03352; TOPMed 0.03808; gnomAD 0.04032; 1000 Genomes Project 30x 0.07651; gnomAD exomes 0.05103; ExAC 0.06566; 1000 Genomes Project 0.07648.
gnomAD v4.1: 81,266 of 1,613,966 alleles (5%); highest among the groups gnomAD compares: South Asian, 17%; 3,295 homozygotes.

Submission:

PreventionGenetics, part of Exact Sciences
Classification: Benign for ABCG1-related condition. Last evaluated: 2019-07-12. Review status: no assertion criteria provided. Collection method: clinical testing. Allele origin: germline.
Comment: This variant is classified as benign based on ACMG/AMP sequence variant interpretation guidelines (Richards et al. 2015 PMID: 25741868, with internal and published modifications).

NM_016818.3(ABCG1):c.538-6C>T

Gene: ABCG1 (ATP binding cassette subfamily G member 1; plus strand). Cytogenetic location: 21q22.3.
Variant type: single nucleotide variant.
Coding change: c.538-6C>T on transcript NM_016818.3 (MANE Select); 6 bases into the intron before coding-DNA position 538, C replaced by T.
Molecular consequence: intron variant.
Genome position (GRCh38, 1-based): chr21:42,276,889, C>T. VCF-style: chr21-42276889-C-T. GRCh37 (hg19) VCF-style: chr21-43696999-C-T.
Other names: c.544-6C>T (NM_207627.2); c.472-6C>T (NM_207628.1); c.529-6C>T (NM_207629.2); c.538-6C>T (NM_004915.4); c.571-6C>T (NM_207174.1).
Identifiers: ClinVar variation 3056609 (VCV003056609.2), dbSNP rs56145149, ClinGen allele CA10041067.